The following is an entry in ClinVar:

ClinVar aggregate classification (germline): Uncertain significance (1 of 4 stars; one submission).

Conditions:
Hereditary cancer-predisposing syndrome. Also called: Neoplastic Syndromes, Hereditary; Tumor predisposition; Hereditary Cancer Syndrome; Hereditary neoplastic syndrome. Identifiers: Orphanet 140162, MedGen C0027672, MeSH D009386, MONDO:0015356.

Submission:

Ambry Genetics
Classification: Uncertain significance for Hereditary cancer-predisposing syndrome. Last evaluated: 2025-11-24. Review status: criteria provided, single submitter. Criteria: Ambry Variant Classification Scheme 2023. Collection method: clinical testing. Allele origin: germline.
Comment: The p.L734M variant (also known as c.2200T>A), located in coding exon 10 of the BRCA2 gene, results from a T to A substitution at nucleotide position 2200. The leucine at codon 734 is replaced by methionine, an amino acid with highly similar properties. This amino acid position is well conserved in available vertebrate species. In addition, this alteration is predicted to be tolerated by in silico analysis. Based on the available evidence, the clinical significance of this variant remains unclear.

NM_000059.4(BRCA2):c.2200T>A (p.Leu734Met)

Gene: BRCA2 (BRCA2 DNA repair associated; plus strand). Cytogenetic location: 13q13.1.
Variant type: single nucleotide variant.
Coding change: c.2200T>A on transcript NM_000059.4 (MANE Select); coding-DNA position 2200, T replaced by A.
Protein change: p.Leu734Met; replaces leucine 734 with methionine.
Molecular consequence: missense variant. On other transcripts: non-coding transcript variant (1), intron variant (2).
Genome position (GRCh38, 1-based): chr13:32,336,555, T>A. VCF-style: chr13-32336555-T-A. GRCh37 (hg19) VCF-style: chr13-32910692-T-A.
Other names: c.2200T>A, p.Leu734Met (NM_001406719.1, NM_001406720.1, NM_001432077.1); c.1909+3168T>A (NM_001406721.1); c.424+5525T>A (NM_001406722.1); short protein forms L734M.
Identifiers: ClinVar variation 4629192 (VCV004629192.1).